The following is an entry in ClinVar:

ClinVar aggregate classification (germline): Conflicting classifications of pathogenicity. Review status: criteria provided, conflicting classifications (1 of 4 stars). 4 submissions from 4 submitters: Uncertain significance (3); Likely benign (1). Last evaluated 2026-09-08.

Conditions:
Hereditary cancer-predisposing syndrome. Also called: Hereditary Cancer Syndrome; Tumor predisposition; Hereditary neoplastic syndrome; Neoplastic Syndromes, Hereditary. Identifiers: Orphanet 140162, MedGen C0027672, MeSH D009386, MONDO:0015356.
Gorlin syndrome. Also called: Nevoid Basal Cell Carcinoma Syndrome; Basal cell nevus syndrome. Identifiers: Orphanet 377, MedGen C0004779, MONDO:0007187.
PTCH1-related disorder. Also called: PTCH1-related disorders; PTCH1-related condition.

Allele frequency attached by ClinVar (database versions not stated): TOPMed 0.00002.

Submissions (4):

Ambry Genetics
Classification: Likely benign for Hereditary cancer-predisposing syndrome. Last evaluated: 2026-09-08. Review status: criteria provided, single submitter. Criteria: Ambry Variant Classification Scheme 2023. Collection method: clinical testing. Allele origin: germline.

PreventionGenetics, part of Exact Sciences
Classification: Uncertain significance for PTCH1-related condition. Last evaluated: 2026-02-20. Review status: criteria provided, single submitter. Criteria: ACMG Guidelines, 2015. Collection method: clinical testing. Allele origin: germline.
Comment: The PTCH1 c.40G>A variant is predicted to result in the amino acid substitution p.Gly14Ser. To our knowledge, this variant has not been reported in the literature or in a large population database (gnomAD), indicating this variant is rare. This variant is interpreted as uncertain in ClinVar (Variation ID: 524503). At this time, the clinical significance of this variant is uncertain due to the absence of conclusive functional and genetic evidence.

Labcorp Genetics (formerly Invitae), Labcorp
Classification: Uncertain significance for Gorlin syndrome. Last evaluated: 2026-01-05. Review status: criteria provided, single submitter. Criteria: Invitae Variant Classification Sherloc (09022015). Collection method: clinical testing. Allele origin: germline.
Comment: This sequence change replaces glycine, which is neutral and non-polar, with serine, which is neutral and polar, at codon 14 of the PTCH1 protein (p.Gly14Ser). This variant is not present in population databases (gnomAD no frequency). This variant has not been reported in the literature in individuals affected with PTCH1-related conditions. ClinVar contains an entry for this variant (Variation ID: 524503). Invitae Evidence Modeling of protein sequence and biophysical properties (such as structural, functional, and spatial information, amino acid conservation, physicochemical variation, residue mobility, and thermodynamic stability) indicates that this missense variant is not expected to disrupt PTCH1 protein function with a negative predictive value of 95%. In summary, the available evidence is currently insufficient to determine the role of this variant in disease. Therefore, it has been classified as a Variant of Uncertain Significance.

Quest Diagnostics Nichols Institute San Juan Capistrano
Classification: Uncertain significance. Last evaluated: 2024-10-18. Review status: criteria provided, single submitter. Criteria: Quest Diagnostics criteria. Collection method: clinical testing. Allele origin: unknown.
Comment: The PTCH1 c.40G>A (p.Gly14Ser) variant has not been reported in individuals with PTCH1-related conditions in the published literature. It also has not been reported in large, multi-ethnic general populations (Genome Aggregation Database). Analysis of this variant using bioinformatics tools for the prediction of the effect of amino acid changes on protein structure and function yielded predictions that this variant is benign. Based on the available information, we are unable to determine the clinical significance of this variant.

NM_000264.5(PTCH1):c.40G>A (p.Gly14Ser)

Genes: PTCH1 (patched 1; minus strand), LOC130002133 (ATAC-STARR-seq lymphoblastoid silent region 20071; plus strand). Cytogenetic location: 9q22.32.
Variant type: single nucleotide variant.
Coding change: c.40G>A on transcript NM_000264.5 (MANE Select); coding-DNA position 40, G replaced by A.
Protein change: p.Gly14Ser; replaces glycine 14 with serine.
Molecular consequence: missense variant. On other transcripts: non-coding transcript variant (1), intron variant (3).
Genome position (GRCh38, 1-based): chr9:95,508,322, C>T on the plus strand (G>A on the coding strand, the complement: PTCH1 is on the minus strand). VCF-style: chr9-95508322-C-T. GRCh37 (hg19) VCF-style: chr9-98270604-C-T.
Other names: c.40G>A (NM_000264.4); c.40G>A, p.Gly14Ser (NM_001354918.2); c.199-1723G>A (NM_001083603.3); c.4-1723G>A (NM_001083602.3, NM_001354919.2); short protein forms G14S.
Identifiers: ClinVar variation 524503 (VCV000524503.20), dbSNP rs1233426743, ClinGen allele CA374121568.